The following is an entry in ClinVar:

ClinVar aggregate classification (germline): Likely benign. Review status: reviewed by expert panel (3 of 4 stars). 2 submissions from 2 submitters: Likely benign (1). 1 of the submissions does not count toward it. Last evaluated 2024-06-24.

Conditions:
Hereditary thrombocytopenia and hematologic cancer predisposition syndrome. Identifiers: Orphanet 71290, MedGen CN281654, MONDO:0011071.
Hereditary thrombocytopenia and hematological cancer predisposition syndrome associated with RUNX1. Also called: PLATELET DISORDER, ASPIRIN-LIKE; RUNX1 Familial Platelet Disorder with Associated Myeloid Malignancies; Familial Platelet Disorder with Propensity to Acute Myelogenous Leukemia; Familial thrombocytopenia with propensity to acute myelogenous leukemia. Identifiers: Orphanet 71290, MedGen C1832388, MeSH C563324, MONDO:0100083, OMIM 601399.

Allele frequency attached by ClinVar (database versions not stated): gnomAD 0.00010 and 0.00012; gnomAD exomes 0.00020.
gnomAD v4.1: 32 of 224,818 alleles (0.014%); highest among the groups gnomAD compares: South Asian, 0.056%; no homozygotes.

Submissions (2):

ClinGen Myeloid Malignancy Variant Curation Expert Panel
Classification: Likely benign for Hereditary thrombocytopenia and hematologic cancer predisposition syndrome. Last evaluated: 2024-06-24. Review status: reviewed by expert panel. Criteria: ClinGen MyeloMalig ACMG Specifications v2. Collection method: curation. Allele origin: germline. Inheritance: Autosomal dominant inheritance.
Comment: NM_001754.5(RUNX1):c.*2531C>T is an intronic variant with a MAF of 0.0005566 (0.05566%, 3/5390, 3 alleles) in the South Asian subpopulation of the gnomAD v4.0.0 cohort is between 0.00015 (0.015%) and 0.0015 (0.15%) (BS1). This synonymous or intronic variant has a SpliceAI score ≤ 0.20 (0.0) (BP4). This variant has a SpliceAI score ≤ 0.20 (0.0) and evolutionary conservation prediction algorithms predict the site as not being conserved (PhyloP score ≤ 2.0 (-1.1)) (BP7). In summary, this variant meets criteria to be classified as likely benign. ACMG/AMP criteria applied, as specified by the Myeloid Malignancy Variant Curation Expert Panel for RUNX1: BS1, BP4, BP7.

Illumina Laboratory Services, Illumina
Classification: Uncertain significance for Hereditary thrombocytopenia and hematological cancer predisposition syndrome associated with RUNX1. Last evaluated: 2018-01-13. Review status: criteria provided, single submitter. Criteria: ICSL Variant Classification Criteria 13 December 2019. Collection method: clinical testing. Allele origin: germline. Not counted in ClinVar's aggregate classification.

NM_001754.5(RUNX1):c.*2531C>T

Gene: RUNX1 (RUNX family transcription factor 1; minus strand). Cytogenetic location: 21q22.12.
Variant type: single nucleotide variant.
Coding change: c.*2531C>T on transcript NM_001754.5 (MANE Select); 2531 bases downstream of the stop codon, C replaced by T.
Molecular consequence: 3 prime UTR variant.
Genome position (GRCh38, 1-based): chr21:34,789,604, G>A on the plus strand (C>T on the coding strand, the complement: RUNX1 is on the minus strand). VCF-style: chr21-34789604-G-A. GRCh37 (hg19) VCF-style: chr21-36161901-G-A.
Other names: c.*2531C>T (NM_001001890.3).
Identifiers: ClinVar variation 896040 (VCV000896040.5), dbSNP rs112662011, ClinGen allele CA320249350.
Genomic context (GRCh38, chr21:34,789,604, plus strand): 5'-AAGATACCTTAATCTACCTGAAGTCAATGAATGCAATTTTTCACACACACACACACACAC[G>A]CACACACACACACATACAAAAATGTGTTGCGTGAGACCTATCGCCAAAACAACTACAGTT-3'